The following is an entry in ClinVar:

NM_001290043.2(TAP2):c.178G>T (p.Gly60Ter)

Gene: TAP2 (transporter 2, ATP binding cassette subfamily B member; minus strand). Cytogenetic location: 6p21.32.
Variant type: single nucleotide variant.
Coding change: c.178G>T on transcript NM_001290043.2 (MANE Select); coding-DNA position 178, G replaced by T.
Protein change: p.Gly60Ter; replaces glycine 60 with a stop codon.
Molecular consequence: nonsense.
Genome position (GRCh38, 1-based): chr6:32,838,056, C>A on the plus strand (G>T on the coding strand, the complement: TAP2 is on the minus strand). VCF-style: chr6-32838056-C-A. GRCh37 (hg19) VCF-style: chr6-32805833-C-A.
Other names: c.178G>T, p.Gly60Ter (NM_018833.3); short protein forms G60*.
Identifiers: ClinVar variation 3721305 (VCV003721305.2).

ClinVar aggregate classification (germline): Pathogenic (1 of 4 stars; one submission).

Conditions:
MHC class I deficiency. Identifiers: Orphanet 34592, MedGen C6024714, MONDO:0011476.

Submission:

Labcorp Genetics (formerly Invitae), Labcorp
Classification: Pathogenic for MHC class I deficiency 1. Last evaluated: 2024-09-22. Review status: criteria provided, single submitter. Criteria: Invitae Variant Classification Sherloc (09022015). Collection method: clinical testing. Allele origin: germline.
Comment: This sequence change creates a premature translational stop signal (p.Gly60*) in the TAP2 gene. It is expected to result in an absent or disrupted protein product. Loss-of-function variants in TAP2 are known to be pathogenic (PMID: 7517574, 11529920, 12067308, 23662797). This variant is not present in population databases (gnomAD no frequency). This variant has not been reported in the literature in individuals affected with TAP2-related conditions. For these reasons, this variant has been classified as Pathogenic.

Literature cited by the submitters: PubMed 7517574; PubMed 11529920; PubMed 12067308; PubMed 23662797.